The following is an entry in ClinVar:

NM_006493.4(CLN5):c.438del (p.His148fs)

Gene: CLN5 (CLN5 lysosomal BMP synthase; plus strand). Cytogenetic location: 13q22.3.
Variant type: Deletion.
Coding change: c.438del on transcript NM_006493.4 (MANE Select); coding-DNA position 438, one base deleted (T; older notation c.438delT).
Protein change: p.His148fs; shifts the reading frame from histidine 148.
Molecular consequence: frameshift variant.
Genome position (GRCh38, 1-based): chr13:76,996,000, T deleted; the last of 3 consecutive T bases (chr13:76,995,998-76,996,000); deleting any one gives the same sequence. VCF-style (leftmost placement, unchanged base first): chr13-76995997-AT-A. GRCh37 (hg19) VCF-style: chr13-77570132-AT-A.
Other names: c.585del (NM_006493.2, LRG_692t1); c.438del, p.His148fs (NM_001366624.2); short protein forms H148fs.
Identifiers: ClinVar variation 558089 (VCV000558089.13), dbSNP rs1555273992, ClinGen allele CA658823723.

ClinVar aggregate classification (germline): Pathogenic. Review status: criteria provided, multiple submitters, no conflicts (2 of 4 stars). 3 submissions from 3 submitters: Pathogenic (2). 1 of the submissions does not count toward it. Last evaluated 2021-08-10.

Conditions:
Neuronal ceroid lipofuscinosis 5 (CLN5). Also called: CEROID LIPOFUSCINOSIS, NEURONAL, 5, VARIABLE AGE AT ONSET; Neuronal ceroid lipofuscinosis Finnish variant; NEURONAL CEROID LIPOFUSCINOSIS, LATE INFANTILE, FINNISH VARIANT; CLN5-Related Neuronal Ceroid-Lipofuscinosis. Identifiers: Orphanet 168491, Orphanet 228360, MedGen C1850442, MONDO:0009745, OMIM 256731.
Neuronal ceroid lipofuscinosis. Also called: Neuronal Ceroid Lipofuscinoses. Identifiers: Orphanet 216, Orphanet 79263, MedGen C0027877, MONDO:0016295. Disease mechanism: loss of function.

Submissions (3):

Genome-Nilou Lab
Classification: Pathogenic for Neuronal ceroid lipofuscinosis 5. Last evaluated: 2021-08-10. Review status: criteria provided, single submitter. Criteria: ACMG Guidelines, 2015. Collection method: clinical testing. Allele origin: germline. Affected: no.

Labcorp Genetics (formerly Invitae), Labcorp
Classification: Pathogenic for Neuronal ceroid lipofuscinosis. Last evaluated: 2019-11-30. Review status: criteria provided, single submitter. Criteria: Invitae Variant Classification Sherloc (09022015). Collection method: clinical testing. Allele origin: germline.
Comment: For these reasons, this variant has been classified as Pathogenic. This variant disrupts the C-terminus of the CLN5 protein. Other variant(s) that disrupt this region (p.Trp224*) have been determined to be pathogenic (PMID: 23374165, 20157158). This suggests that variants that disrupt this region of the protein are likely to be causative of disease. This variant has not been reported in the literature in individuals with CLN5-related conditions. ClinVar contains an entry for this variant (Variation ID: 558089). This variant is not present in population databases (ExAC no frequency). This sequence change results in a premature translational stop signal in the CLN5 gene (p.His197Ilefs*34). While this is not anticipated to result in nonsense mediated decay, it is expected to disrupt the last 211 amino acids of the CLN5 protein.

Counsyl
Classification: Likely pathogenic for Neuronal ceroid lipofuscinosis 5. Last evaluated: 2018-04-27. Review status: no assertion criteria provided. Collection method: clinical testing. Allele origin: unknown. Not counted in ClinVar's aggregate classification.

Literature cited by the submitters: PubMed 23374165 (cited by Labcorp Genetics (formerly Invitae), Labcorp); PubMed 20157158 (cited by Labcorp Genetics (formerly Invitae), Labcorp).